The following is an entry in ClinVar:

NM_001290060.2(SEMA3B):c.1313T>C (p.Val438Ala)

Gene: SEMA3B (semaphorin 3B; plus strand). Cytogenetic location: 3p21.31.
Variant type: single nucleotide variant.
Coding change: c.1313T>C on transcript NM_001290060.2 (MANE Select); coding-DNA position 1313, T replaced by C.
Protein change: p.Val438Ala; replaces valine 438 with alanine.
Molecular consequence: missense variant. On other transcripts: non-coding transcript variant (1).
Genome position (GRCh38, 1-based): chr3:50,274,538, T>C. VCF-style: chr3-50274538-T-C. GRCh37 (hg19) VCF-style: chr3-50311969-T-C.
Other names: c.1310T>C, p.Val437Ala (NM_001005914.3, NM_001435957.1, NM_001435958.1); c.1328T>C, p.Val443Ala (NM_001290061.1); c.284T>C, p.Val95Ala (NM_001290062.2, NM_001290063.2); c.1313T>C, p.Val438Ala (NM_001435956.1, NM_004636.4); short protein forms V438A, V95A, V437A, V443A.
Identifiers: ClinVar variation 4993221 (VCV004993221.1).
Genomic context (GRCh38, chr3:50,274,538, plus strand): 5'-GCCCTCTTTTCCTACAAGTTGGAGCCAATTACACCTTCACTCAAATTGCCGCGGACCGGG[T>C]TGCAGCCGCTGACGGACACTATGACGTCCTCTTCATTGGCACAGGTCAGGGTCCCTCCAC-3'
Protein context (NP_001276989.1, residues 428-448): YTFTQIAADR[Val438Ala]AAADGHYDVL

ClinVar aggregate classification (germline): Uncertain significance (1 of 4 stars; one submission).

Conditions:
SEMA3B-related disorder. Also called: SEMA3B-related condition.

Submission:

PreventionGenetics, part of Exact Sciences
Classification: Uncertain significance for SEMA3B-related condition. Last evaluated: 2026-08-07. Review status: criteria provided, single submitter. Criteria: ACMG Guidelines, 2015. Collection method: clinical testing. Allele origin: germline.
Comment: The SEMA3B c.1328T>C variant is predicted to result in the amino acid substitution p.Val443Ala. To our knowledge, this variant has not been reported in the literature or in a large population database (gnomAD), indicating this variant is rare. At this time, the clinical significance of this variant is uncertain due to the absence of conclusive functional and genetic evidence.